The following is an entry in ClinVar:

NM_144687.4(NLRP12):c.157C>T (p.Pro53Ser)

Gene: NLRP12 (NLR family pyrin domain containing 12; minus strand). Cytogenetic location: 19q13.42.
Variant type: single nucleotide variant.
Coding change: c.157C>T on transcript NM_144687.4 (MANE Select); coding-DNA position 157, C replaced by T.
Protein change: p.Pro53Ser; replaces proline 53 with serine.
Molecular consequence: missense variant.
Genome position (GRCh38, 1-based): chr19:53,824,018, G>A on the plus strand (C>T on the coding strand, the complement: NLRP12 is on the minus strand). VCF-style: chr19-53824018-G-A. GRCh37 (hg19) VCF-style: chr19-54327272-G-A.
Other names: c.157C>T, p.Pro53Ser (NM_001277126.2, NM_001277129.1); short protein forms P53S.
Identifiers: ClinVar variation 648545 (VCV000648545.10), dbSNP rs752350185, ClinGen allele CA9639823.
Genomic context (GRCh38, chr19:53,824,018, plus strand): 5'-CCAACCTCCAGGCCTCCTCTGGCCCGAAGTGGGTGATGAGCAGCTGGGCCATTTCCAGGG[G>A]ACCGGCCTTCTCCATGCTTCCCCAGGGGATCTTGCCTTCTCCCAGCTCTGTCGCGGTCCC-3'
Protein context (NP_653288.1, residues 43-63): IPWGSMEKAG[Pro53Ser]LEMAQLLITH

ClinVar aggregate classification (germline): Uncertain significance (1 of 4 stars; one submission).

Conditions:
Familial cold autoinflammatory syndrome 2 (FCAS2). Identifiers: Orphanet 247868, MedGen C2673198, MONDO:0012724, OMIM 611762.

Allele frequency attached by ClinVar (database versions not stated): gnomAD 0.00001; gnomAD exomes 0.00001 and 0.00002; TOPMed 0.00001; ExAC 0.00002.
gnomAD v4.1: 13 of 1,614,034 alleles (0.00081%); highest among the groups gnomAD compares: Admixed American, 0.012%; no homozygotes.

Submission:

Labcorp Genetics (formerly Invitae), Labcorp
Classification: Uncertain significance for Familial cold autoinflammatory syndrome 2. Last evaluated: 2025-12-14. Review status: criteria provided, single submitter. Criteria: Invitae Variant Classification Sherloc (09022015). Collection method: clinical testing. Allele origin: germline.
Comment: This sequence change replaces proline, which is neutral and non-polar, with serine, which is neutral and polar, at codon 53 of the NLRP12 protein (p.Pro53Ser). This variant is present in population databases (rs752350185, gnomAD 0.01%). This variant has not been reported in the literature in individuals affected with NLRP12-related conditions. ClinVar contains an entry for this variant (Variation ID: 648545). Invitae Evidence Modeling of protein sequence and biophysical properties (such as structural, functional, and spatial information, amino acid conservation, physicochemical variation, residue mobility, and thermodynamic stability) indicates that this missense variant is not expected to disrupt NLRP12 protein function with a negative predictive value of 80%. In summary, the available evidence is currently insufficient to determine the role of this variant in disease. Therefore, it has been classified as a Variant of Uncertain Significance.